The following is an entry in ClinVar:

NM_152327.5(AK7):c.1135G>C (p.Gly379Arg)

Gene: AK7 (adenylate kinase 7; plus strand). Cytogenetic location: 14q32.2.
Variant type: single nucleotide variant.
Coding change: c.1135G>C on transcript NM_152327.5 (MANE Select); coding-DNA position 1135, G replaced by C.
Protein change: p.Gly379Arg; replaces glycine 379 with arginine.
Molecular consequence: missense variant.
Genome position (GRCh38, 1-based): chr14:96,456,383, G>C. VCF-style: chr14-96456383-G-C. GRCh37 (hg19) VCF-style: chr14-96922720-G-C.
Other names: c.1135G>C, p.Gly379Arg (NM_001350888.2, NM_001350890.2, NM_001350892.2); c.1057G>C, p.Gly353Arg (NM_001350891.2); short protein forms G353R, G379R.
Identifiers: ClinVar variation 3681719 (VCV003681719.2).

ClinVar aggregate classification (germline): Uncertain significance (1 of 4 stars; one submission).

Submission:

Labcorp Genetics (formerly Invitae), Labcorp
Classification: Uncertain significance. Last evaluated: 2024-07-02. Review status: criteria provided, single submitter. Criteria: Invitae Variant Classification Sherloc (09022015). Collection method: clinical testing. Allele origin: germline.
Comment: This sequence change replaces glycine, which is neutral and non-polar, with arginine, which is basic and polar, at codon 379 of the AK7 protein (p.Gly379Arg). This variant is not present in population databases (gnomAD no frequency). This variant has not been reported in the literature in individuals affected with AK7-related conditions. Advanced modeling of protein sequence and biophysical properties (such as structural, functional, and spatial information, amino acid conservation, physicochemical variation, residue mobility, and thermodynamic stability) performed at Invitae indicates that this missense variant is expected to disrupt AK7 protein function with a positive predictive value of 80%. In summary, the available evidence is currently insufficient to determine the role of this variant in disease. Therefore, it has been classified as a Variant of Uncertain Significance.